The following is an entry in ClinVar:

NM_001010892.3(RSPH4A):c.1932_1935del (p.Phe644fs)

Gene: RSPH4A (radial spoke head component 4A; plus strand). Cytogenetic location: 6q22.1.
Variant type: Deletion.
Coding change: c.1932_1935del on transcript NM_001010892.3 (MANE Select); coding-DNA positions 1932 to 1935, 4 bases deleted (CTAC; older notation c.1932_1935delCTAC).
Protein change: p.Phe644fs; shifts the reading frame from phenylalanine 644.
Molecular consequence: frameshift variant.
Genome position (GRCh38, 1-based): chr6:116,632,222-116,632,225, CTAC deleted. VCF-style (leftmost placement, unchanged base first): chr6-116632221-TCTAC-T. GRCh37 (hg19) VCF-style: chr6-116953384-TCTAC-T.
Other names: c.1796_1799del, p.Ser599fs (NM_001161664.2); short protein forms S599fs, F644fs.
Identifiers: ClinVar variation 2860326 (VCV002860326.3), dbSNP rs2482814588, ClinGen allele CA2739266059.
Genomic context (GRCh38, chr6:116,632,221, plus strand): 5'-AAATTATATAATGATCTTTTTTTCTTCTTCTTTTTCTTACTTATAGAAAGTTTGAAAATT[TCTAC>T]ATAGGCTGGGGTCATAAGTATAGTCCAGACAATTATACACCCCCAGTTCCACCACCAGTT-3'

ClinVar aggregate classification (germline): Pathogenic (1 of 4 stars; one submission).

Conditions:
Primary ciliary dyskinesia. Also called: Ciliary dyskinesia. Identifiers: Orphanet 244, MedGen C0008780, MONDO:0016575, HP:0012265.

Submission:

Labcorp Genetics (formerly Invitae), Labcorp
Classification: Pathogenic for Primary ciliary dyskinesia. Last evaluated: 2023-03-17. Review status: criteria provided, single submitter. Criteria: Invitae Variant Classification Sherloc (09022015). Collection method: clinical testing. Allele origin: germline.
Comment: For these reasons, this variant has been classified as Pathogenic. This variant disrupts a region of the RSPH4A protein in which other variant(s) (p.Ser671Glnfs*10) have been determined to be pathogenic (Invitae). This suggests that this is a clinically significant region of the protein, and that variants that disrupt it are likely to be disease-causing. This variant has not been reported in the literature in individuals affected with RSPH4A-related conditions. This variant is not present in population databases (gnomAD no frequency). This sequence change creates a premature translational stop signal (p.Phe644Leufs*2) in the RSPH4A gene. While this is not anticipated to result in nonsense mediated decay, it is expected to disrupt the last 73 amino acid(s) of the RSPH4A protein.